The following is an entry in ClinVar:

ClinVar aggregate classification (germline): Pathogenic (1 of 4 stars; one submission).

Submission:

Labcorp Genetics (formerly Invitae), Labcorp
Classification: Pathogenic. Last evaluated: 2025-02-17. Review status: criteria provided, single submitter. Criteria: Invitae Variant Classification Sherloc (09022015). Collection method: clinical testing. Allele origin: germline.
Comment: This sequence change creates a premature translational stop signal (p.Ile1399Thrfs*5) in the DOCK6 gene. It is expected to result in an absent or disrupted protein product. Loss-of-function variants in DOCK6 are known to be pathogenic (PMID: 21820096, 25824905). This variant is present in population databases (rs764594696, gnomAD 0.002%). This variant has not been reported in the literature in individuals affected with DOCK6-related conditions. For these reasons, this variant has been classified as Pathogenic.

Literature cited by the submitters: PubMed 21820096; PubMed 25824905.

NM_020812.4(DOCK6):c.4196del (p.Ile1399fs)

Genes: DOCK6 (dedicator of cytokinesis 6; minus strand), DOCK6-AS1 (DOCK6 antisense RNA 1; plus strand). Cytogenetic location: 19p13.2.
Variant type: Deletion.
Coding change: c.4196del on transcript NM_020812.4 (MANE Select); coding-DNA position 4196, one base deleted (T; older notation c.4196delT).
Protein change: p.Ile1399fs; shifts the reading frame from isoleucine 1399.
Molecular consequence: frameshift variant.
Genome position (GRCh38, 1-based): chr19:11,214,560, A deleted on the plus strand (T on the coding strand, the reverse complement: DOCK6 is on the minus strand). VCF-style (leftmost placement, unchanged base first): chr19-11214559-GA-G. GRCh37 (hg19) VCF-style: chr19-11325235-GA-G.
Other names: c.4301del, p.Ile1434fs (NM_001367830.1); short protein forms I1399fs, I1434fs.
Identifiers: ClinVar variation 3691684 (VCV003691684.2).